The following is an entry in ClinVar:

ClinVar aggregate classification (germline): Likely pathogenic (1 of 4 stars; one submission).

Conditions:
Fanconi anemia complementation group C (FANCC). Also called: Fanconi anemia, group C; FANCONI PANCYTOPENIA, TYPE 3; FACC; FANCC-Related Fanconi Anemia. Identifiers: Orphanet 84, MedGen C3468041, MONDO:0009213, OMIM 227645.

Submission:

Myriad Genetics, Inc.
Classification: Likely pathogenic for Fanconi anemia complementation group C. Last evaluated: 2020-04-01. Review status: criteria provided, single submitter. Criteria: Myriad Women's Health Autosomal Recessive and X-Linked Classification Criteria (2019). Collection method: clinical testing. Allele origin: unknown.
Comment: NM_000136.2(FANCC):c.464T>A(L155*) is expected to be pathogenic in the context of Fanconi anemia, FANCC-related. This variant is predicted to lead to an abnormal or absent protein product due to the creation of a premature termination codon in FANCC, a gene where loss-of-function variants are known to be pathogenic. Please note: this variant was assessed in the context of healthy population screening.

NM_000136.3(FANCC):c.464T>A (p.Leu155Ter)

Gene: FANCC (FA complementation group C; minus strand). Cytogenetic location: 9q22.32.
Variant type: single nucleotide variant.
Coding change: c.464T>A on transcript NM_000136.3 (MANE Select); coding-DNA position 464, T replaced by A.
Protein change: p.Leu155Ter; replaces leucine 155 with a stop codon.
Molecular consequence: nonsense.
Genome position (GRCh38, 1-based): chr9:95,171,136, A>T on the plus strand (T>A on the coding strand, the complement: FANCC is on the minus strand). VCF-style: chr9-95171136-A-T. GRCh37 (hg19) VCF-style: chr9-97933418-A-T.
Other names: c.464T>A, p.Leu155Ter (NM_001243743.2, NM_001243744.2); short protein forms L155*.
Identifiers: ClinVar variation 984291 (VCV000984291.3), dbSNP rs1825652774, ClinGen allele CA374338663.